The following is an entry in ClinVar:

NM_007294.4(BRCA1):c.1395dup (p.Arg466fs)

Gene: BRCA1 (BRCA1 DNA repair associated; minus strand). Cytogenetic location: 17q21.31.
Variant type: Duplication.
Coding change: c.1395dup on transcript NM_007294.4 (MANE Select); coding-DNA position 1395, one base duplicated (T; older notation c.1395dupT).
Protein change: p.Arg466fs; shifts the reading frame from arginine 466.
Molecular consequence: frameshift variant. On other transcripts: intron variant (137).
Genome position (GRCh38, 1-based): chr17:43,094,136, A duplicated on the plus strand (T on the coding strand, the reverse complement: BRCA1 is on the minus strand). VCF-style (leftmost placement, unchanged base first): chr17-43094135-G-GA. GRCh37 (hg19) VCF-style: chr17-41246152-G-GA.
Other names: c.1395dupT (NM_007294.3); c.1392dup, p.Arg465fs (NM_001407628.1, NM_001407629.1, NM_001407630.1 and 22 more transcripts); c.1395dup, p.Arg466fs (NM_001407639.1, NM_001407640.1, NM_001407641.1 and 30 more transcripts); c.1386dup, p.Arg463fs (NM_001407646.1, NM_001407647.1); c.1272dup, p.Arg425fs (NM_001407648.1, NM_001407664.1, NM_001407665.1 and 19 more transcripts); c.1269dup, p.Arg424fs (NM_001407649.1, NM_001407670.1, NM_001407671.1 and 11 more transcripts); c.1317dup, p.Arg440fs (NM_001407653.1, NM_001407654.1, NM_001407655.1 and 4 more transcripts); c.1314dup, p.Arg439fs (NM_001407659.1, NM_001407660.1, NM_001407661.1 and 1 more transcripts); and 41 more; short protein forms R419fs, R466fs, R170fs, R338fs, R378fs, R298fs, R339fs, R354fs.
Identifiers: ClinVar variation 548239 (VCV000548239.2), dbSNP rs1555591796, ClinGen allele CA658824524.

ClinVar aggregate classification (germline): Pathogenic (3 of 4 stars; one submission).

Conditions:
Breast-ovarian cancer, familial, susceptibility to, 1 (BROVCA1). Also called: BRCA1 Hereditary Breast and Ovarian Cancer; OVARIAN CANCER, SUSCEPTIBILITY TO. Identifiers: Orphanet 145, MedGen C2676676, MONDO:0011450, OMIM 604370. Disease mechanism: loss of function.

Submission:

Evidence-based Network for the Interpretation of Germline Mutant Alleles (ENIGMA)
Classification: Pathogenic for Breast-ovarian cancer, familial, susceptibility to, 1. Last evaluated: 2017-12-15. Review status: reviewed by expert panel. Criteria: ENIGMA BRCA1/2 Classification Criteria (2017-06-29). Collection method: curation. Allele origin: germline. Study: ENIGMA.
Comment: Variant allele predicted to encode a truncated non-functional protein.